The following is an entry in ClinVar:

NM_000051.4(ATM):c.758A>G (p.Glu253Gly)

Gene: ATM (ATM serine/threonine kinase; plus strand). Cytogenetic location: 11q22.3.
Variant type: single nucleotide variant.
Coding change: c.758A>G on transcript NM_000051.4 (MANE Select); coding-DNA position 758, A replaced by G.
Protein change: p.Glu253Gly; replaces glutamic acid 253 with glycine.
Molecular consequence: missense variant.
Genome position (GRCh38, 1-based): chr11:108,244,883, A>G. VCF-style: chr11-108244883-A-G. GRCh37 (hg19) VCF-style: chr11-108115610-A-G.
Other names: c.758A>G, p.Glu253Gly (NM_001351834.2); short protein forms E253G.
Identifiers: ClinVar variation 843929 (VCV000843929.12), dbSNP rs2079763142, ClinGen allele CA382529286.
Genomic context (GRCh38, chr11:108,244,883, plus strand): 5'-TAGCAGCTCTTACTATCTTCCTCAAGACTTTGGCTGTCAACTTTCGAATTCGAGTGTGTG[A>G]ATTAGGAGATGAAATTCTTCCCACTTTGCTTTATATTTGGACTCAACATAGGCTTAATGA-3'
Protein context (NP_000042.3, residues 243-263): LAVNFRIRVC[Glu253Gly]LGDEILPTLL

ClinVar aggregate classification (germline): Uncertain significance. Review status: criteria provided, multiple submitters, no conflicts (2 of 4 stars). 2 submissions from 2 submitters: Uncertain significance (2). Last evaluated 2024-06-16.

Conditions:
Hereditary cancer-predisposing syndrome. Also called: Neoplastic Syndromes, Hereditary; Hereditary neoplastic syndrome; Tumor predisposition; Hereditary Cancer Syndrome. Identifiers: Orphanet 140162, MedGen C0027672, MeSH D009386, MONDO:0015356.
Ataxia-telangiectasia syndrome (AT). Also called: Ataxia-telangiectasia, complementation group D; AT, COMPLEMENTATION GROUP C; Ataxia telangiectasia (A-T); Cerebello-oculocutaneous telangiectasia; Immunodeficiency with ataxia telangiectasia; Ataxia-telangiectasia. Identifiers: Orphanet 100, MedGen C0004135, MONDO:0008840, OMIM 208900.

Submissions (2):

Labcorp Genetics (formerly Invitae), Labcorp
Classification: Uncertain significance for Ataxia-telangiectasia syndrome. Last evaluated: 2024-06-16. Review status: criteria provided, single submitter. Criteria: Invitae Variant Classification Sherloc (09022015). Collection method: clinical testing. Allele origin: germline.
Comment: This sequence change replaces glutamic acid, which is acidic and polar, with glycine, which is neutral and non-polar, at codon 253 of the ATM protein (p.Glu253Gly). This variant is not present in population databases (gnomAD no frequency). This variant has not been reported in the literature in individuals affected with ATM-related conditions. ClinVar contains an entry for this variant (Variation ID: 843929). An algorithm developed to predict the effect of missense changes on protein structure and function (PolyPhen-2) suggests that this variant is likely to be tolerated. In summary, the available evidence is currently insufficient to determine the role of this variant in disease. Therefore, it has been classified as a Variant of Uncertain Significance.

Ambry Genetics
Classification: Uncertain significance for Hereditary cancer-predisposing syndrome. Last evaluated: 2022-11-02. Review status: criteria provided, single submitter. Criteria: Ambry Variant Classification Scheme 2023. Collection method: clinical testing. Allele origin: germline.
Comment: The p.E253G variant (also known as c.758A>G), located in coding exon 6 of the ATM gene, results from an A to G substitution at nucleotide position 758. The glutamic acid at codon 253 is replaced by glycine, an amino acid with similar properties. This amino acid position is conserved. In addition, this alteration is predicted to be tolerated by in silico analysis. Since supporting evidence is limited at this time, the clinical significance of this alteration remains unclear.